The following is an entry in ClinVar:

NM_000243.3(MEFV):c.405C>G (p.Tyr135Ter)

Gene: MEFV (MEFV innate immunity regulator, pyrin; minus strand). Cytogenetic location: 16p13.3.
Variant type: single nucleotide variant.
Coding change: c.405C>G on transcript NM_000243.3 (MANE Select); coding-DNA position 405, C replaced by G.
Protein change: p.Tyr135Ter; replaces tyrosine 135 with a stop codon.
Molecular consequence: nonsense. On other transcripts: intron variant (1).
Genome position (GRCh38, 1-based): chr16:3,254,663, G>C on the plus strand (C>G on the coding strand, the complement: MEFV is on the minus strand). VCF-style: chr16-3254663-G-C. GRCh37 (hg19) VCF-style: chr16-3304663-G-C.
Other names: c.277+1648C>G (NM_001198536.2); short protein forms Y135*.
Identifiers: ClinVar variation 859215 (VCV000859215.7), dbSNP rs766323718, ClinGen allele CA7860439.

ClinVar aggregate classification (germline): Conflicting classifications of pathogenicity. Review status: criteria provided, conflicting classifications (1 of 4 stars). 6 submissions from 4 submitters: Likely pathogenic (1); Uncertain significance (3); Likely benign (2). Last evaluated 2023-02-08.

Conditions:
Familial Mediterranean fever (FMF). Also called: POLYSEROSITIS, FAMILIAL PAROXYSMAL; Periodic peritonitis; Benign paroxysmal peritonitis; POLYSEROSITIS, RECURRENT. Identifiers: Orphanet 342, MedGen C0031069, MONDO:0018088, OMIM 249100. Disease mechanism: gain of function.
Familial Mediterranean fever, autosomal dominant. Also called: FMF, AUTOSOMAL DOMINANT; Dominant Familial Mediterranean Fever. Identifiers: Orphanet 342, MedGen C1851347, MONDO:0007601, OMIM 134610.
Acute febrile neutrophilic dermatosis (AFND). Also called: Gomm Button disease; Sweet Syndrome. Identifiers: Orphanet 3243, MedGen C0085077, MONDO:0011959, OMIM 608068.
MEFV-related disorder. Also called: MEFV-related disorders; MEFV-related condition.

Submissions (6):

Genome-Nilou Lab
Classification: Uncertain significance for Familial Mediterranean fever. Last evaluated: 2023-02-08. Review status: criteria provided, single submitter. Criteria: ACMG Guidelines, 2015. Collection method: clinical testing. Allele origin: germline.

Genome-Nilou Lab
Classification: Likely benign for Familial Mediterranean fever, autosomal dominant. Last evaluated: 2023-02-08. Review status: criteria provided, single submitter. Criteria: ACMG Guidelines, 2015. Collection method: clinical testing. Allele origin: germline.

Genome-Nilou Lab
Classification: Likely benign for Acute febrile neutrophilic dermatosis. Last evaluated: 2023-02-08. Review status: criteria provided, single submitter. Criteria: ACMG Guidelines, 2015. Collection method: clinical testing. Allele origin: germline.

Fulgent Genetics
Classification: Uncertain significance for Familial Mediterranean fever, autosomal dominant; Familial Mediterranean fever; Acute febrile neutrophilic dermatosis. Last evaluated: 2021-09-15. Review status: criteria provided, single submitter. Criteria: ACMG Guidelines, 2015. Collection method: clinical testing. Allele origin: unknown.

Blueprint Genetics
Classification: Likely pathogenic for MEFV-related disorders. Last evaluated: 2021-06-29. Review status: criteria provided, single submitter. Criteria: ACMG Guidelines, 2015. Collection method: clinical testing. Allele origin: germline. Affected: yes. Observed: 1 variant allele.

Labcorp Genetics (formerly Invitae), Labcorp
Classification: Uncertain significance for Familial Mediterranean fever. Last evaluated: 2019-11-21. Review status: criteria provided, single submitter. Criteria: Invitae Variant Classification Sherloc (09022015). Collection method: clinical testing. Allele origin: germline.
Comment: This sequence change creates a premature translational stop signal (p.Tyr135*) in the MEFV gene. It is expected to result in an absent or disrupted protein product. This variant is present in population databases (rs766323718, ExAC 0.002%). This variant has not been reported in the literature in individuals with MEFV-related conditions. Algorithms developed to predict the effect of sequence changes on RNA splicing suggest that this variant may create or strengthen a splice site, but this prediction has not been confirmed by published transcriptional studies. The current clinical and genetic evidence is not sufficient to establish whether loss-of-function variants in MEFV cause disease. In summary, the available evidence is currently insufficient to determine the role of this variant in disease. Therefore, it has been classified as a Variant of Uncertain Significance.